The following is an entry in ClinVar:

ClinVar aggregate classification (germline): Uncertain significance. Review status: criteria provided, multiple submitters, no conflicts (2 of 4 stars). 6 submissions from 6 submitters: Uncertain significance (6). Last evaluated 2026-09-24.

Conditions:
TTN-related disorder. Also called: TTN-related disorders; TTN-related condition; TTN-related disease.
Dilated cardiomyopathy 1G (CMD1G). Identifiers: Orphanet 154, MedGen C1858763, MONDO:0011400, OMIM 604145.
Autosomal recessive limb-girdle muscular dystrophy type 2J (LGMDR10). Also called: Limb-girdle muscular dystrophy, type 2J; MUSCULAR DYSTROPHY, LIMB-GIRDLE, AUTOSOMAL RECESSIVE 10. Identifiers: Orphanet 140922, MedGen C1837342, MONDO:0012127, OMIM 608807.

Allele frequency attached by ClinVar (database versions not stated): gnomAD 0.00001; gnomAD exomes 0.00001 and 0.00006; ExAC 0.00003; TOPMed 0.00003; ESP Exome Variant Server 0.00008.
gnomAD v4.1: 81 of 1,572,826 alleles (0.0051%); highest among the groups gnomAD compares: Non-Finnish European, 0.0067%; no homozygotes.

Submissions (6):

PreventionGenetics, part of Exact Sciences
Classification: Uncertain significance for TTN-related condition. Last evaluated: 2026-09-24. Review status: criteria provided, single submitter. Criteria: ACMG Guidelines, 2015. Collection method: clinical testing. Allele origin: germline.
Comment: The TTN c.41342G>A variant is predicted to result in the amino acid substitution p.Arg13781His. To our knowledge, this variant has not been reported in the literature. This variant is reported in 0.0072% of alleles in individuals of African descent in gnomAD. At this time, the clinical significance of this variant is uncertain due to the absence of conclusive functional and genetic evidence.

GeneDx
Classification: Uncertain significance. Last evaluated: 2026-05-28. Review status: criteria provided, single submitter. Criteria: GeneDx Variant Classification Process June 2021. Collection method: clinical testing. Allele origin: germline.
Comment: Not observed at significant frequency in large population cohorts (gnomAD); Missense variant in a gene in which most reported pathogenic variants are truncating/loss of function; Has not been previously published as pathogenic or benign to our knowledge

CeGaT Center for Human Genetics Tuebingen
Classification: Uncertain significance. Last evaluated: 2026-01-01. Review status: criteria provided, single submitter. Criteria: CeGaT Center For Human Genetics Tuebingen Variant Classification Criteria Version 2. Collection method: clinical testing. Allele origin: germline. Affected: yes. Observed: 1 variant allele.

Revvity Omics, Revvity
Classification: Uncertain significance. Last evaluated: 2020-10-05. Review status: criteria provided, single submitter. Criteria: ACMG Guidelines, 2015. Collection method: clinical testing. Allele origin: germline.

Labcorp Genetics (formerly Invitae), Labcorp
Classification: Uncertain significance for Dilated cardiomyopathy 1G; Autosomal recessive limb-girdle muscular dystrophy type 2J. Last evaluated: 2017-11-18. Review status: criteria provided, single submitter. Criteria: Invitae Variant Classification Sherloc (09022015). Collection method: clinical testing. Allele origin: germline.

Laboratory for Molecular Medicine, Mass General Brigham Personalized Medicine
Classification: Uncertain significance. Last evaluated: 2013-12-05. Review status: criteria provided, single submitter. Criteria: LMM Criteria. Collection method: clinical testing. Allele origin: germline. Observed: 1 variant allele.
Comment: The Arg11213His variant in TTN has not been reported in individuals with cardiom yopathy, but has been identified in 0.01% (1/8208) of European American chromoso mes by the NHLBI Exome Sequencing Project. Co mputational analyses (biochemical amino acid properties, conservation, AlignGVGD , PolyPhen2, and SIFT) do not provide strong support for or against an impact to the protein. Additional information is needed to fully assess the clinical sign ificance of the Arg11213His variant.

NM_001267550.2(TTN):c.41342G>A (p.Arg13781His)

Gene: TTN (titin; minus strand). Cytogenetic location: 2q31.2.
Variant type: single nucleotide variant.
Coding change: c.41342G>A on transcript NM_001267550.2 (MANE Select); coding-DNA position 41342, G replaced by A.
Protein change: p.Arg13781His; replaces arginine 13781 with histidine.
Molecular consequence: missense variant.
Genome position (GRCh38, 1-based): chr2:178,636,229, C>T on the plus strand (G>A on the coding strand, the complement: TTN is on the minus strand). VCF-style: chr2-178636229-C-T. GRCh37 (hg19) VCF-style: chr2-179500956-C-T.
Other names: c.33638G>A, p.Arg11213His (NM_133378.4); c.36419G>A, p.Arg12140His (NM_001256850.1); c.14147G>A, p.Arg4716His (NM_003319.4); c.14522G>A, p.Arg4841His (NM_133432.3); c.14723G>A, p.Arg4908His (NM_133437.4); c.41342G>A (NM_001267550.1); short protein forms R11213H, R13781H, R4841H, R12140H, R4716H, R4908H.
Identifiers: ClinVar variation 166071 (VCV000166071.21), dbSNP rs370878642, ClinGen allele CA178858.